The following is an entry in ClinVar:

NM_020937.4(FANCM):c.5024A>C (p.Glu1675Ala)

Gene: FANCM (FA complementation group M; plus strand). Cytogenetic location: 14q21.2.
Variant type: single nucleotide variant.
Coding change: c.5024A>C on transcript NM_020937.4 (MANE Select); coding-DNA position 5024, A replaced by C.
Protein change: p.Glu1675Ala; replaces glutamic acid 1675 with alanine.
Molecular consequence: missense variant.
Genome position (GRCh38, 1-based): chr14:45,189,046, A>C. VCF-style: chr14-45189046-A-C. GRCh37 (hg19) VCF-style: chr14-45658249-A-C.
Other names: c.4946A>C, p.Glu1649Ala (NM_001308133.2); short protein forms E1649A, E1675A.
Identifiers: ClinVar variation 3252179 (VCV003252179.2), dbSNP rs1889591337.
Genomic context (GRCh38, chr14:45,189,046, plus strand): 5'-AAAATTGTGCACATTCAAAAAAGAAATTATCCAGAATTATTTTACCAGATGATTCAAGTG[A>C]GGAGGAGAACAATGTAAATGATAAAAGAGAATCTAATATTGCGGTTAACCCAAGCACTGT-3'
Protein context (NP_065988.1, residues 1665-1685): SRIILPDDSS[Glu1675Ala]EENNVNDKRE

ClinVar aggregate classification (germline): Uncertain significance. Review status: criteria provided, multiple submitters, no conflicts (2 of 4 stars). 2 submissions from 2 submitters: Uncertain significance (2). Last evaluated 2026-09-05.

Conditions:
Inborn genetic diseases. Identifiers: MedGen C0950123, MeSH D030342.

Submissions (2):

Ambry Genetics
Classification: Uncertain significance for Inborn genetic diseases. Last evaluated: 2026-09-05. Review status: criteria provided, single submitter. Criteria: Ambry Variant Classification Scheme 2023. Collection method: clinical testing. Allele origin: germline.
Comment: The p.E1675A variant (also known as c.5024A>C), located in coding exon 20 of the FANCM gene, results from an A to C substitution at nucleotide position 5024. The glutamic acid at codon 1675 is replaced by alanine, an amino acid with dissimilar properties. This amino acid position is conserved. In addition, this alteration is predicted to be tolerated by in silico analysis. Based on the available evidence, the clinical significance of this variant remains unclear.

GeneDx
Classification: Uncertain significance. Last evaluated: 2023-12-07. Review status: criteria provided, single submitter. Criteria: GeneDx Variant Classification Process June 2021. Collection method: clinical testing. Allele origin: germline. Affected: yes.
Comment: Not observed at significant frequency in large population cohorts (gnomAD); In silico analysis supports that this missense variant has a deleterious effect on protein structure/function; Has not been previously published as pathogenic or benign to our knowledge